The following is an entry in ClinVar:

NM_006017.3(PROM1):c.1077+8T>G

Gene: PROM1 (prominin 1; minus strand). Cytogenetic location: 4p15.32.
Variant type: single nucleotide variant.
Coding change: c.1077+8T>G on transcript NM_006017.3 (MANE Select); 8 bases into the intron after coding-DNA position 1077, T replaced by G.
Molecular consequence: intron variant.
Genome position (GRCh38, 1-based): chr4:16,016,158, A>C on the plus strand (T>G on the coding strand, the complement: PROM1 is on the minus strand). VCF-style: chr4-16016158-A-C. GRCh37 (hg19) VCF-style: chr4-16017781-A-C.
Other names: c.1077+8T>G (NM_006017.2, NM_001145850.2, NM_001145849.2); c.1050+8T>G (NM_001145848.2, NM_001145852.2, NM_001145847.2 and 4 more transcripts).
Identifiers: ClinVar variation 1964621 (VCV001964621.7), dbSNP rs758678900, ClinGen allele CA2866882.

ClinVar aggregate classification (germline): Likely benign. Review status: criteria provided, single submitter (1 of 4 stars). 2 submissions from 2 submitters: Likely benign (1). 1 of the submissions does not count toward it. Last evaluated 2025-04-24.

Conditions:
PROM1-related disorder. Also called: PROM1-related condition; PROM1-related disorders.

Allele frequency attached by ClinVar (database versions not stated): gnomAD 0.00001; TOPMed 0.00002; gnomAD exomes 0.00003; ExAC 0.00004.
gnomAD v4.1: 38 of 1,550,580 alleles (0.0025%); highest among the groups gnomAD compares: Non-Finnish European, 0.0031%; no homozygotes.

Submissions (2):

Labcorp Genetics (formerly Invitae), Labcorp
Classification: Likely benign. Last evaluated: 2025-04-24. Review status: criteria provided, single submitter. Criteria: Invitae Variant Classification Sherloc (09022015). Collection method: clinical testing. Allele origin: germline.

PreventionGenetics, part of Exact Sciences
Classification: Likely benign for PROM1-related condition. Last evaluated: 2019-10-28. Review status: no assertion criteria provided. Collection method: clinical testing. Allele origin: germline. Not counted in ClinVar's aggregate classification.
Comment: This variant is classified as likely benign based on ACMG/AMP sequence variant interpretation guidelines (Richards et al. 2015 PMID: 25741868, with internal and published modifications).